The following is an entry in ClinVar:

ClinVar aggregate classification (germline): Likely benign. Review status: criteria provided, multiple submitters, no conflicts (2 of 4 stars). 2 submissions from 2 submitters: Likely benign (2). Last evaluated 2024-03-13.

Allele frequency attached by ClinVar (database versions not stated): TOPMed below 0.00001; ExAC 0.00001; gnomAD exomes 0.00001.
gnomAD v4.1: 12 of 1,211,125 alleles (0.00099%); highest among the groups gnomAD compares: Middle Eastern, 0.16%; no homozygotes.

Submissions (2):

Blueprint Genetics
Classification: Likely benign. Last evaluated: 2024-03-13. Review status: criteria provided, single submitter. Criteria: ACMG Guidelines, 2015. Collection method: clinical testing. Allele origin: germline.

GeneDx
Classification: Likely benign. Last evaluated: 2018-03-13. Review status: criteria provided, single submitter. Criteria: GeneDx Variant Classification (06012015). Collection method: clinical testing. Allele origin: germline. Affected: yes.
Comment: This variant is considered likely benign or benign based on one or more of the following criteria: it is a conservative change, it occurs at a poorly conserved position in the protein, it is predicted to be benign by multiple in silico algorithms, and/or has population frequency not consistent with disease.

NM_000292.3(PHKA2):c.2760C>T (p.Ile920=)

Gene: PHKA2 (phosphorylase kinase regulatory subunit alpha 2; minus strand). Cytogenetic location: Xp22.13.
Variant type: single nucleotide variant.
Coding change: c.2760C>T on transcript NM_000292.3 (MANE Select); coding-DNA position 2760, C replaced by T.
Protein change: p.Ile920=; no amino-acid change (isoleucine 920 retained).
Molecular consequence: synonymous variant.
Genome position (GRCh38, 1-based): chrX:18,906,541, G>A on the plus strand (C>T on the coding strand, the complement: PHKA2 is on the minus strand). VCF-style: chrX-18906541-G-A. GRCh37 (hg19) VCF-style: chrX-18924659-G-A.
Identifiers: ClinVar variation 515990 (VCV000515990.2), dbSNP rs764158778, ClinGen allele CA10361557.